The following is an entry in ClinVar:

NM_006766.5(KAT6A):c.4592C>G (p.Pro1531Arg)

Gene: KAT6A (lysine acetyltransferase 6A; minus strand). Cytogenetic location: 8p11.21.
Variant type: single nucleotide variant.
Coding change: c.4592C>G on transcript NM_006766.5 (MANE Select); coding-DNA position 4592, C replaced by G.
Protein change: p.Pro1531Arg; replaces proline 1531 with arginine.
Molecular consequence: missense variant.
Genome position (GRCh38, 1-based): chr8:41,933,628, G>C on the plus strand (C>G on the coding strand, the complement: KAT6A is on the minus strand). VCF-style: chr8-41933628-G-C. GRCh37 (hg19) VCF-style: chr8-41791146-G-C.
Other names: short protein forms P1531R.
Identifiers: ClinVar variation 2507158 (VCV002507158.1), dbSNP rs2486754292, ClinGen allele CA371065420.

ClinVar aggregate classification (germline): Uncertain significance (1 of 4 stars; one submission).

Submission:

GeneDx
Classification: Uncertain significance. Last evaluated: 2022-12-23. Review status: criteria provided, single submitter. Criteria: GeneDx Variant Classification Process June 2021. Collection method: clinical testing. Allele origin: germline. Affected: yes.
Comment: Not observed at significant frequency in large population cohorts (gnomAD); In silico analysis supports that this missense variant has a deleterious effect on protein structure/function; Has not been previously published as pathogenic or benign to our knowledge